The following is an entry in ClinVar:

NM_003982.4(SLC7A7):c.1505T>C (p.Met502Thr)

Gene: SLC7A7 (solute carrier family 7 member 7; minus strand). Cytogenetic location: 14q11.2.
Variant type: single nucleotide variant.
Coding change: c.1505T>C on transcript NM_003982.4 (MANE Select); coding-DNA position 1505, T replaced by C.
Protein change: p.Met502Thr; replaces methionine 502 with threonine.
Molecular consequence: missense variant.
Genome position (GRCh38, 1-based): chr14:22,773,641, A>G on the plus strand (T>C on the coding strand, the complement: SLC7A7 is on the minus strand). VCF-style: chr14-22773641-A-G. GRCh37 (hg19) VCF-style: chr14-23242850-A-G.
Other names: c.1505T>C (NM_001126106.2); c.1505T>C, p.Met502Thr (NM_001126105.3, NM_001126106.4); short protein forms M502T.
Identifiers: ClinVar variation 1378956 (VCV001378956.4), dbSNP rs762335275, ClinGen allele CA7104366.

ClinVar aggregate classification (germline): Uncertain significance. Review status: criteria provided, multiple submitters, no conflicts (2 of 4 stars). 2 submissions from 2 submitters: Uncertain significance (2). Last evaluated 2024-04-15.

Conditions:
Lysinuric protein intolerance (LPI). Identifiers: Orphanet 470, MedGen C0268647, MONDO:0009109, OMIM 222700.

Allele frequency attached by ClinVar (database versions not stated): gnomAD exomes below 0.00001 and 0.00001; TOPMed below 0.00001; ExAC 0.00001; gnomAD 0.00001.
gnomAD v4.1: 20 of 1,614,024 alleles (0.0012%); highest among the groups gnomAD compares: Non-Finnish European, 0.0016%; no homozygotes.

Submissions (2):

Fulgent Genetics
Classification: Uncertain significance for Lysinuric protein intolerance. Last evaluated: 2024-04-15. Review status: criteria provided, single submitter. Criteria: ACMG Guidelines, 2015. Collection method: clinical testing. Allele origin: germline.

Labcorp Genetics (formerly Invitae), Labcorp
Classification: Uncertain significance for Lysinuric protein intolerance. Last evaluated: 2022-02-01. Review status: criteria provided, single submitter. Criteria: Invitae Variant Classification Sherloc (09022015). Collection method: clinical testing. Allele origin: germline.
Comment: This sequence change replaces methionine, which is neutral and non-polar, with threonine, which is neutral and polar, at codon 502 of the SLC7A7 protein (p.Met502Thr). This variant is not present in population databases (gnomAD no frequency). This variant has not been reported in the literature in individuals affected with SLC7A7-related conditions. Algorithms developed to predict the effect of missense changes on protein structure and function output the following: SIFT: "Tolerated"; PolyPhen-2: "Benign"; Align-GVGD: "Class C0". The threonine amino acid residue is found in multiple mammalian species, which suggests that this missense change does not adversely affect protein function. In summary, the available evidence is currently insufficient to determine the role of this variant in disease. Therefore, it has been classified as a Variant of Uncertain Significance.